The following is an entry in ClinVar:

ClinVar aggregate classification (germline): Likely benign. Review status: criteria provided, multiple submitters, no conflicts (2 of 4 stars). 4 submissions from 4 submitters: Likely benign (3). 1 of the submissions does not count toward it. Last evaluated 2025-12-24.

Conditions:
KMT2D-related disorder. Also called: KMT2D-Related Disorders.
Kabuki syndrome. Also called: Kabuki make-up syndrome; NIIKAWA-KUROKI SYNDROME. Identifiers: Orphanet 2322, MedGen C0796004, MONDO:0016512.

Allele frequency attached by ClinVar (database versions not stated): ExAC 0.00005; TOPMed 0.00005; gnomAD 0.00006 and 0.00007; gnomAD exomes 0.00007; ESP Exome Variant Server 0.00008.
gnomAD v4.1: 112 of 1,544,928 alleles (0.0072%); highest among the groups gnomAD compares: Middle Eastern, 0.035%; no homozygotes.

Submissions (4):

Labcorp Genetics (formerly Invitae), Labcorp
Classification: Likely benign for Kabuki syndrome. Last evaluated: 2025-12-24. Review status: criteria provided, single submitter. Criteria: Invitae Variant Classification Sherloc (09022015). Collection method: clinical testing. Allele origin: germline.

Blueprint Genetics
Classification: Likely benign. Last evaluated: 2023-11-30. Review status: criteria provided, single submitter. Criteria: ACMG Guidelines, 2015. Collection method: clinical testing. Allele origin: germline.

CeGaT Center for Human Genetics Tuebingen
Classification: Likely benign. Last evaluated: 2022-07-01. Review status: criteria provided, single submitter. Criteria: CeGaT Center For Human Genetics Tuebingen Variant Classification Criteria Version 2. Collection method: clinical testing. Allele origin: germline. Affected: yes. Observed: 1 variant allele.
Comment: KMT2D: BP4, BP7

PreventionGenetics, part of Exact Sciences
Classification: Likely benign for KMT2D-related condition. Last evaluated: 2022-07-26. Review status: no assertion criteria provided. Collection method: clinical testing. Allele origin: germline. Not counted in ClinVar's aggregate classification.
Comment: This variant is classified as likely benign based on ACMG/AMP sequence variant interpretation guidelines (Richards et al. 2015 PMID: 25741868, with internal and published modifications).

NM_003482.4(KMT2D):c.2736C>T (p.Pro912=)

Gene: KMT2D (lysine methyltransferase 2D; minus strand). Cytogenetic location: 12q13.12.
Variant type: single nucleotide variant.
Coding change: c.2736C>T on transcript NM_003482.4 (MANE Select); coding-DNA position 2736, C replaced by T.
Protein change: p.Pro912=; no amino-acid change (proline 912 retained).
Molecular consequence: synonymous variant.
Genome position (GRCh38, 1-based): chr12:49,050,947, G>A on the plus strand (C>T on the coding strand, the complement: KMT2D is on the minus strand). VCF-style: chr12-49050947-G-A. GRCh37 (hg19) VCF-style: chr12-49444730-G-A.
Identifiers: ClinVar variation 746290 (VCV000746290.34), dbSNP rs369867316, ClinGen allele CA6548200.